The following is an entry in ClinVar:

ClinVar aggregate classification (germline): Uncertain significance (1 of 4 stars; one submission).

Conditions:
Nemaline myopathy 9 (NEM9). Identifiers: MedGen C3810384, MONDO:0014326, OMIM 615731.

gnomAD v4.1: 1 of 1,606,958 alleles (0.000062%); no homozygotes.

Submission:

Labcorp Genetics (formerly Invitae), Labcorp
Classification: Uncertain significance for Nemaline myopathy 9. Last evaluated: 2022-08-10. Review status: criteria provided, single submitter. Criteria: Invitae Variant Classification Sherloc (09022015). Collection method: clinical testing. Allele origin: germline.
Comment: In summary, the available evidence is currently insufficient to determine the role of this variant in disease. Therefore, it has been classified as a Variant of Uncertain Significance. Algorithms developed to predict the effect of missense changes on protein structure and function (SIFT, PolyPhen-2, Align-GVGD) all suggest that this variant is likely to be disruptive. This variant has not been reported in the literature in individuals affected with KLHL41-related conditions. This variant is not present in population databases (gnomAD no frequency). This sequence change replaces aspartic acid, which is acidic and polar, with histidine, which is basic and polar, at codon 372 of the KLHL41 protein (p.Asp372His).

NM_006063.3(KLHL41):c.1114G>C (p.Asp372His)

Gene: KLHL41 (kelch like family member 41; plus strand). Cytogenetic location: 2q31.1.
Variant type: single nucleotide variant.
Coding change: c.1114G>C on transcript NM_006063.3 (MANE Select); coding-DNA position 1114, G replaced by C.
Protein change: p.Asp372His; replaces aspartic acid 372 with histidine.
Molecular consequence: missense variant.
Genome position (GRCh38, 1-based): chr2:169,514,577, G>C. VCF-style: chr2-169514577-G-C. GRCh37 (hg19) VCF-style: chr2-170371087-G-C.
Other names: short protein forms D372H.
Identifiers: ClinVar variation 1932330 (VCV001932330.5), dbSNP rs190032295, ClinGen allele CA349178284.